The following is an entry in ClinVar:

NM_005534.4(IFNGR2):c.234C>T (p.Asp78=)

Gene: IFNGR2 (interferon gamma receptor 2; plus strand). Cytogenetic location: 21q22.11.
Variant type: single nucleotide variant.
Coding change: c.234C>T on transcript NM_005534.4 (MANE Select); coding-DNA position 234, C replaced by T.
Protein change: p.Asp78=; no amino-acid change (aspartic acid 78 retained).
Molecular consequence: synonymous variant.
Genome position (GRCh38, 1-based): chr21:33,421,507, C>T. VCF-style: chr21-33421507-C-T. GRCh37 (hg19) VCF-style: chr21-34793814-C-T.
Other names: c.291C>T, p.Asp97= (NM_001329128.2).
Identifiers: ClinVar variation 541803 (VCV000541803.14), dbSNP rs138717312, ClinGen allele CA10006898.

ClinVar aggregate classification (germline): Benign/Likely benign. Review status: criteria provided, multiple submitters, no conflicts (2 of 4 stars). 3 submissions from 3 submitters: Benign (2); Likely benign (1). Last evaluated 2025-12-19.

Conditions:
Immunodeficiency 28 (IMD28). Also called: IFNGR2 DEFICIENCY. Identifiers: Orphanet 319547, Orphanet 319574, MedGen C4013947, MONDO:0013953, OMIM 614889.
IFNGR2-related disorder. Also called: IFNGR2-related condition.

Allele frequency attached by ClinVar (database versions not stated): TOPMed 0.00008; gnomAD 0.00010 and 0.00034; ESP Exome Variant Server 0.00015; gnomAD exomes 0.00049 and 0.00105; ExAC 0.00110; 1000 Genomes Project 30x 0.00219; 1000 Genomes Project 0.00260.
gnomAD v4.1: 794 of 1,613,996 alleles (0.049%); highest among the groups gnomAD compares: South Asian, 0.76%; 16 homozygotes.

Submissions (3):

Labcorp Genetics (formerly Invitae), Labcorp
Classification: Benign for Immunodeficiency 28. Last evaluated: 2025-12-19. Review status: criteria provided, single submitter. Criteria: Invitae Variant Classification Sherloc (09022015). Collection method: clinical testing. Allele origin: germline.

PreventionGenetics, part of Exact Sciences
Classification: Benign for IFNGR2-related condition. Last evaluated: 2025-01-23. Review status: criteria provided, single submitter. Criteria: ACMG Guidelines, 2015. Collection method: clinical testing. Allele origin: germline.
Comment: This variant is classified as benign based on ACMG/AMP sequence variant interpretation guidelines (Richards et al. 2015 PMID: 25741868, with internal and published modifications).

Blueprint Genetics
Classification: Likely benign. Last evaluated: 2024-09-24. Review status: criteria provided, single submitter. Criteria: ACMG Guidelines, 2015. Collection method: clinical testing. Allele origin: germline.